The following is an entry in ClinVar:

NM_024422.6(DSC2):c.1264-11T>G

Gene: DSC2 (desmocollin 2; minus strand). Cytogenetic location: 18q12.1.
Variant type: single nucleotide variant.
Coding change: c.1264-11T>G on transcript NM_024422.6 (MANE Select); 11 bases into the intron before coding-DNA position 1264, T replaced by G.
Molecular consequence: intron variant.
Genome position (GRCh38, 1-based): chr18:31,080,363, A>C on the plus strand (T>G on the coding strand, the complement: DSC2 is on the minus strand). VCF-style: chr18-31080363-A-C. GRCh37 (hg19) VCF-style: chr18-28660329-A-C.
Other names: c.1264-11T>G (NM_004949.5).
Identifiers: ClinVar variation 1987675 (VCV001987675.4), dbSNP rs1032030602, ClinGen allele CA297637078.

ClinVar aggregate classification (germline): Uncertain significance (1 of 4 stars; one submission).

Conditions:
Arrhythmogenic right ventricular dysplasia 11. Also called: Arrhythmogenic Right Ventricular Dysplasia/Cardiomyopathy11; ARRHYTHMOGENIC RIGHT VENTRICULAR DYSPLASIA, FAMILIAL, 11; Arrhythmogenic right ventricular dysplasia 11 with mild palmoplantar keratoderma and woolly hair. Identifiers: MedGen C1864850, MONDO:0012506, OMIM 610476.

Allele frequency attached by ClinVar (database versions not stated): TOPMed below 0.00001.

Submission:

Labcorp Genetics (formerly Invitae), Labcorp
Classification: Uncertain significance for Arrhythmogenic right ventricular dysplasia 11. Last evaluated: 2022-03-31. Review status: criteria provided, single submitter. Criteria: Invitae Variant Classification Sherloc (09022015). Collection method: clinical testing. Allele origin: germline.
Comment: This sequence change falls in intron 9 of the DSC2 gene. It does not directly change the encoded amino acid sequence of the DSC2 protein. This variant is not present in population databases (gnomAD no frequency). This variant has not been reported in the literature in individuals affected with DSC2-related conditions. Algorithms developed to predict the effect of sequence changes on RNA splicing suggest that this variant may disrupt the consensus splice site. In summary, the available evidence is currently insufficient to determine the role of this variant in disease. Therefore, it has been classified as a Variant of Uncertain Significance.